The following is an entry in ClinVar:

NM_001563.4(IMPG1):c.1111G>A (p.Val371Met)

Gene: IMPG1 (interphotoreceptor matrix proteoglycan 1; minus strand). Cytogenetic location: 6q14.1.
Variant type: single nucleotide variant.
Coding change: c.1111G>A on transcript NM_001563.4 (MANE Select); coding-DNA position 1111, G replaced by A.
Protein change: p.Val371Met; replaces valine 371 with methionine.
Molecular consequence: missense variant.
Genome position (GRCh38, 1-based): chr6:76,005,311, C>T on the plus strand (G>A on the coding strand, the complement: IMPG1 is on the minus strand). VCF-style: chr6-76005311-C-T. GRCh37 (hg19) VCF-style: chr6-76715028-C-T.
Other names: c.877G>A, p.Val293Met (NM_001282368.2); short protein forms V371M, V293M.
Identifiers: ClinVar variation 962706 (VCV000962706.8), dbSNP rs1783075069, ClinGen allele CA364773162.

ClinVar aggregate classification (germline): Uncertain significance (1 of 4 stars; one submission).

Allele frequency attached by ClinVar (database versions not stated): TOPMed below 0.00001; gnomAD exomes below 0.00001.
gnomAD v4.1: 4 of 1,614,034 alleles (0.00025%); highest among the groups gnomAD compares: South Asian, 0.0011%; no homozygotes.

Submission:

Labcorp Genetics (formerly Invitae), Labcorp
Classification: Uncertain significance. Last evaluated: 2025-04-17. Review status: criteria provided, single submitter. Criteria: Invitae Variant Classification Sherloc (09022015). Collection method: clinical testing. Allele origin: germline.
Comment: This sequence change replaces valine, which is neutral and non-polar, with methionine, which is neutral and non-polar, at codon 371 of the IMPG1 protein (p.Val371Met). This variant is not present in population databases (gnomAD no frequency). This variant has not been reported in the literature in individuals affected with IMPG1-related conditions. ClinVar contains an entry for this variant (Variation ID: 962706). An algorithm developed to predict the effect of missense changes on protein structure and function outputs the following: PolyPhen-2: "Benign". The methionine amino acid residue is found in multiple mammalian species, which suggests that this missense change does not adversely affect protein function. In summary, the available evidence is currently insufficient to determine the role of this variant in disease. Therefore, it has been classified as a Variant of Uncertain Significance.